The following is an entry in ClinVar:

NM_015702.3(MMADHC):c.136G>C (p.Ala46Pro)

Gene: MMADHC (metabolism of cobalamin associated D; minus strand). Cytogenetic location: 2q23.2.
Variant type: single nucleotide variant.
Coding change: c.136G>C on transcript NM_015702.3 (MANE Select); coding-DNA position 136, G replaced by C.
Protein change: p.Ala46Pro; replaces alanine 46 with proline.
Molecular consequence: missense variant.
Genome position (GRCh38, 1-based): chr2:149,582,145, C>G on the plus strand (G>C on the coding strand, the complement: MMADHC is on the minus strand). VCF-style: chr2-149582145-C-G. GRCh37 (hg19) VCF-style: chr2-150438659-C-G.
Other names: c.136G>C (NM_015702.2); short protein forms A46P.
Identifiers: ClinVar variation 801761 (VCV000801761.5), dbSNP rs749521854, ClinGen allele CA1902496.
Genomic context (GRCh38, chr2:149,582,145, plus strand): 5'-TTTGAAACAATTATAAGTAAAGCAGTAACAACTTTCACTTACATATATCTGGAGGTGCAG[C>G]AGCCACATGAGACTCATCCGAACCTGATGATCCTGCAGTCGAAAAGGCTTTGGGATTGAC-3'
Protein context (NP_056517.1, residues 36-56): SSGSDESHVA[Ala46Pro]APPDICSRTV

ClinVar aggregate classification (germline): Uncertain significance. Review status: criteria provided, multiple submitters, no conflicts (2 of 4 stars). 4 submissions from 4 submitters: Uncertain significance (4). Last evaluated 2025-11-24.

Conditions:
Methylmalonic aciduria and homocystinuria type cblD (MAHCD). Also called: METHYLMALONIC ACIDEMIA, cblH TYPE; Methylmalonic aciduria with homocystinuria cblD type. Identifiers: Orphanet 622, Orphanet 79283, MedGen C1848552, MONDO:0010185, OMIM 277410.
Inborn genetic diseases. Identifiers: MedGen C0950123, MeSH D030342.

Allele frequency attached by ClinVar (database versions not stated): gnomAD exomes below 0.00001; ExAC 0.00001; TOPMed 0.00003.
gnomAD v4.1: 3 of 1,613,878 alleles (0.00019%); highest among the groups gnomAD compares: Admixed American, 0.0033%; no homozygotes.

Submissions (4):

Labcorp Genetics (formerly Invitae), Labcorp
Classification: Uncertain significance for Methylmalonic aciduria and homocystinuria type cblD. Last evaluated: 2025-11-24. Review status: criteria provided, single submitter. Criteria: Invitae Variant Classification Sherloc (09022015). Collection method: clinical testing. Allele origin: germline.
Comment: This sequence change replaces alanine, which is neutral and non-polar, with proline, which is neutral and non-polar, at codon 46 of the MMADHC protein (p.Ala46Pro). This variant is present in population databases (rs749521854, gnomAD no frequency). This variant has not been reported in the literature in individuals affected with MMADHC-related conditions. ClinVar contains an entry for this variant (Variation ID: 801761). Invitae Evidence Modeling of protein sequence and biophysical properties (such as structural, functional, and spatial information, amino acid conservation, physicochemical variation, residue mobility, and thermodynamic stability) indicates that this missense variant is not expected to disrupt MMADHC protein function with a negative predictive value of 80%. In summary, the available evidence is currently insufficient to determine the role of this variant in disease. Therefore, it has been classified as a Variant of Uncertain Significance.

Ambry Genetics
Classification: Uncertain significance for Inborn genetic diseases. Last evaluated: 2025-01-16. Review status: criteria provided, single submitter. Criteria: Ambry Variant Classification Scheme 2023. Collection method: clinical testing. Allele origin: germline.

Laboratorio de Genetica e Diagnostico Molecular, Hospital Israelita Albert Einstein
Classification: Uncertain significance for Methylmalonic aciduria and homocystinuria type cblD. Last evaluated: 2022-11-19. Review status: criteria provided, single submitter. Criteria: ACMG Guidelines, 2015. Collection method: clinical testing. Allele origin: germline. Affected: yes. Observed: 1 variant allele.
Comment: ACMG classification criteria: PM2 moderated, BP4 supporting

Mendelics
Classification: Uncertain significance for Methylmalonic aciduria and homocystinuria type cblD. Last evaluated: 2019-05-28. Review status: criteria provided, single submitter. Criteria: Mendelics Assertion Criteria 2017. Collection method: clinical testing. Allele origin: unknown.